The following is an entry in ClinVar:

ClinVar aggregate classification (germline): Uncertain significance. Review status: criteria provided, multiple submitters, no conflicts (2 of 4 stars). 8 submissions from 8 submitters: Uncertain significance (8). Last evaluated 2026-06-22.

Conditions:
MSH3-related disorder. Also called: MSH3-related condition.
Familial adenomatous polyposis 4 (FAP4). Also called: MSH3-related attenuated familial adenomatous polyposis. Identifiers: Orphanet 480536, MedGen C4310719, MONDO:0044300, OMIM 617100.
Hereditary cancer-predisposing syndrome. Also called: Tumor predisposition; Hereditary neoplastic syndrome; Hereditary Cancer Syndrome; Neoplastic Syndromes, Hereditary. Identifiers: Orphanet 140162, MedGen C0027672, MeSH D009386, MONDO:0015356.

Allele frequency attached by ClinVar (database versions not stated): gnomAD 0.00003 and 0.00007; 1000 Genomes Project 30x 0.00125; gnomAD exomes 0.00003 and 0.00013; TOPMed 0.00005; ExAC 0.00010; 1000 Genomes Project 0.00120.
gnomAD v4.1: 55 of 1,614,148 alleles (0.0034%); highest among the groups gnomAD compares: East Asian, 0.12%; no homozygotes.

Submissions (9):

PreventionGenetics, part of Exact Sciences
Classification: Uncertain significance for MSH3-related condition. Last evaluated: 2026-06-22. Review status: criteria provided, single submitter. Criteria: ACMG Guidelines, 2015. Collection method: clinical testing. Allele origin: germline.
Comment: The MSH3 c.358+5G>A variant is predicted to interfere with splicing. To our knowledge this variant has not been reported in the literature in individuals with MSH3-related conditions. This variant is reported in 0.18% of alleles in individuals of East Asian descent in gnomAD and is interpreted as uncertain in ClinVar (Variation ID: 655708). At this time, the clinical significance of this variant is uncertain due to the absence of conclusive functional and genetic evidence.

Labcorp Genetics (formerly Invitae), Labcorp
Classification: Uncertain significance. Last evaluated: 2026-02-03. Review status: criteria provided, single submitter. Criteria: Invitae Variant Classification Sherloc (09022015). Collection method: clinical testing. Allele origin: germline.
Comment: This sequence change falls in intron 2 of the MSH3 gene. It does not directly change the encoded amino acid sequence of the MSH3 protein. It affects a nucleotide within the consensus splice site. This variant is present in population databases (rs200850015, gnomAD 0.2%). This variant has not been reported in the literature in individuals affected with MSH3-related conditions. ClinVar contains an entry for this variant (Variation ID: 655708). Variants that disrupt the consensus splice site are a relatively common cause of aberrant splicing (PMID: 17576681, 9536098). Studies have shown that this variant is associated with inconclusive levels of altered splicing (internal data). In summary, the available evidence is currently insufficient to determine the role of this variant in disease. Therefore, it has been classified as a Variant of Uncertain Significance.

Ambry Genetics
Classification: Uncertain significance for Hereditary cancer-predisposing syndrome. Last evaluated: 2025-08-04. Review status: criteria provided, single submitter. Criteria: Ambry Variant Classification Scheme 2023. Collection method: clinical testing. Allele origin: germline.
Comment: The c.358+5G>A intronic variant results from a G to A substitution 5 nucleotides after coding exon 2 in the MSH3 gene. This nucleotide position is highly conserved in available vertebrate species. In silico splice site analysis predicts that this alteration may weaken the native splice donor site; however, direct evidence is insufficient at this time (Ambry internal data). Since supporting evidence is limited at this time, the clinical significance of this alteration remains unclear.

Center for Genomic Medicine, Rigshospitalet, Copenhagen University Hospital
Classification: Uncertain significance. Last evaluated: 2025-03-04. Review status: criteria provided, single submitter. Criteria: ACMG Guidelines, 2015. Collection method: clinical testing. Allele origin: germline.

Quest Diagnostics Nichols Institute San Juan Capistrano
Classification: Uncertain significance. Last evaluated: 2024-05-22. Review status: criteria provided, single submitter. Criteria: Quest Diagnostics criteria. Collection method: clinical testing. Allele origin: unknown.
Comment: The MSH3 c.358+5G>A variant has been reported in the published literature in individuals with breast cancer (PMID: 32091409 (2020)). The frequency of this variant in the general population, 0.0018 (33/18390 chromosomes in East Asian subpopulation (Genome Aggregation Database)), is higher than would generally be expected for pathogenic variants in this gene. Analysis of this variant using software algorithms for the prediction of the effect of nucleotide changes on splicing yielded predictions that this variant may affect proper MSH3 mRNA splicing. Based on the available information, we are unable to determine the clinical significance of this variant.

GeneDx
Classification: Uncertain significance. Last evaluated: 2022-11-01. Review status: criteria provided, single submitter. Criteria: GeneDx Variant Classification Process June 2021. Collection method: clinical testing. Allele origin: germline. Affected: yes.
Comment: Has not been previously published as pathogenic or benign to our knowledge; In silico analysis is inconclusive as to whether the variant alters gene splicing. In the absence of RNA/functional studies, the actual effect of this sequence change is unknown.; This variant is associated with the following publications: (PMID: 32091409)

Department of Pathology and Laboratory Medicine, Sinai Health System
Classification: Uncertain significance for Familial adenomatous polyposis 4. Last evaluated: 2022-07-15. Review status: criteria provided, single submitter. Criteria: ACMG Guidelines, 2015. Collection method: clinical testing. Allele origin: germline. Affected: yes.

Sema4
Classification: Uncertain significance for Hereditary cancer-predisposing syndrome. Last evaluated: 2021-07-16. Review status: criteria provided, single submitter. Criteria: Sema4 Curation Guidelines. Collection method: curation. Allele origin: germline.
Comment: The MSH3 c.358+5G>A variant has not been reported in the literature to our knowledge. It was observed in 33/18390 chromosomes of the East Asian subpopulation, without homozygotes, in the large and broad cohorts of the Genome Aggregation Database (PMID: 32461654) and has been reported in ClinVar (Variation ID 655708). In silico tools suggest the variant may disrupt normal splicing, though these predictions have not been confirmed by functional studies. The evidence is insufficient to meet ACMG/AMP criteria for classifying the variant as benign or pathogenic. Thus, the clinical significance of this variant is currently uncertain.

Dr. Peter K. Rogan Lab, Western University
No classification provided (evidence only). Condition: Malignant tumor of esophagus. Review status: no classification provided. Collection method: in vitro. Allele origin: not applicable. Functional consequence: skipped exon, retained intron. Not counted in ClinVar's aggregate classification.

Literature cited by the submitters: PubMed 17576681 (cited by Labcorp Genetics (formerly Invitae), Labcorp); PubMed 9536098 (cited by Labcorp Genetics (formerly Invitae), Labcorp); PubMed 32091409 (cited by Quest Diagnostics Nichols Institute San Juan Capistrano).

NM_002439.5(MSH3):c.358+5G>A

Gene: MSH3 (mutS homolog 3; plus strand). Cytogenetic location: 5q14.1.
Variant type: single nucleotide variant.
Coding change: c.358+5G>A on transcript NM_002439.5 (MANE Select); 5 bases into the intron after coding-DNA position 358, G replaced by A.
Molecular consequence: intron variant.
Genome position (GRCh38, 1-based): chr5:80,656,536, G>A. VCF-style: chr5-80656536-G-A. GRCh37 (hg19) VCF-style: chr5-79952355-G-A.
Identifiers: ClinVar variation 655708 (VCV000655708.24), dbSNP rs200850015, ClinGen allele CA3327570.